The following is an entry in ClinVar:

ClinVar aggregate classification (germline): Uncertain significance (1 of 4 stars; one submission).

Conditions:
Hypertrophic cardiomyopathy. Also called: HYPERTROPHIC MYOCARDIOPATHY. Identifiers: Orphanet 217569, MedGen C0007194, MeSH D002312, MONDO:0005045, HP:0001639.

gnomAD v4.1: 1 of 1,613,682 alleles (0.000062%); highest among the groups gnomAD compares: South Asian, 0.0011%; no homozygotes.

Submission:

All of Us Research Program, National Institutes of Health
Classification: Uncertain significance for Hypertrophic cardiomyopathy. Last evaluated: 2023-07-10. Review status: criteria provided, single submitter. Criteria: ACMG Guidelines, 2015. Collection method: clinical testing. Allele origin: germline. Inheritance: Autosomal dominant inheritance. Observed: 1 variant allele, 1 heterozygote.
Comment: This variant causes a C to G nucleotide substitution at the -10 position of intron 6 of the TPM1 gene. To our knowledge, functional studies have not been reported for this variant. This variant has not been reported in individuals affected with TPM1-related disorders in the literature. This variant has not been identified in the general population by the Genome Aggregation Database (gnomAD). The available evidence is insufficient to determine the role of this variant in disease conclusively. Therefore, this variant is classified as a Variant of Uncertain Significance.

This study involves interpretation of variants in research participants for the purpose of population health screening. Participant phenotype was not available at the time of variant classification. Additional details can be found in publication PMID: 35346344, PMCID: PMC8962531

NM_001018005.2(TPM1):c.640-10C>G

Gene: TPM1 (tropomyosin 1; plus strand). Cytogenetic location: 15q22.2.
Variant type: single nucleotide variant.
Coding change: c.640-10C>G on transcript NM_001018005.2 (MANE Select); 10 bases into the intron before coding-DNA position 640, C replaced by G.
Molecular consequence: intron variant.
Genome position (GRCh38, 1-based): chr15:63,062,205, C>G. VCF-style: chr15-63062205-C-G. GRCh37 (hg19) VCF-style: chr15-63354404-C-G.
Other names: c.766-10C>G (NM_001365778.1, NM_001407323.1, NM_001407322.1 and 1 more transcripts); c.640-10C>G (NM_001407336.1, NM_001018020.2, NM_001407338.1 and 20 more transcripts); c.532-10C>G (NM_001330351.2, NM_001330344.2, NM_001018008.2 and 9 more transcripts).
Identifiers: ClinVar variation 3072399 (VCV003072399.1), dbSNP rs748679631, ClinGen allele CA2628846665.